The following is an entry in ClinVar:

ClinVar aggregate classification (germline): Benign. Review status: criteria provided, multiple submitters, no conflicts (2 of 4 stars). 2 submissions from 2 submitters: Benign (2). Last evaluated 2016-03-28.

Allele frequency attached by ClinVar (database versions not stated): 1000 Genomes Project 0.20008; 1000 Genomes Project 30x 0.20440; TOPMed 0.24423; gnomAD 0.25197 and 0.25563; gnomAD exomes 0.27031.
gnomAD v4.1: 342,096 of 1,277,824 alleles (27%); highest among the groups gnomAD compares: Non-Finnish European, 28%; 47,401 homozygotes.

Submissions (2):

Laboratory for Molecular Medicine, Mass General Brigham Personalized Medicine
Classification: Benign. Last evaluated: 2016-03-28. Review status: criteria provided, single submitter. Criteria: LMM Criteria. Collection method: clinical testing. Allele origin: germline.
Comment: Variant identified in a genome or exome case(s) and assessed due to predicted null impact of the variant or pathogenic assertions in the literature or databases. Disclaimer: This variant has not undergone full assessment. The following are preliminary notes: Frequency in 1000Genomes: 425/2178=19.5%

Breakthrough Genomics
Classification: Benign. Review status: criteria provided, single submitter. Criteria: ACMG Guidelines, 2015. Collection method: not provided. Allele origin: germline. Inheritance: Unknown mechanism. Affected: yes.

NM_000770.3(CYP2C8):c.168+669A>G

Gene: CYP2C8 (cytochrome P450 family 2 subfamily C member 8; minus strand). Cytogenetic location: 10q23.33.
Variant type: single nucleotide variant.
Coding change: c.168+669A>G on transcript NM_000770.3 (MANE Select); 669 bases into the intron after coding-DNA position 168, A replaced by G.
Molecular consequence: intron variant. On other transcripts: splice donor variant (1).
Genome position (GRCh38, 1-based): chr10:95,068,566, T>C on the plus strand (A>G on the coding strand, the complement: CYP2C8 is on the minus strand). VCF-style: chr10-95068566-T-C. GRCh37 (hg19) VCF-style: chr10-96828323-T-C.
Other names: c.25+631A>G (NM_001198854.1); c.-43+631A>G (NM_001198853.1); c.-43+1A>G (NM_001198855.1).
Identifiers: ClinVar variation 402580 (VCV000402580.5), dbSNP rs2071426, ClinGen allele CA16609741.